The following is an entry in ClinVar:

ClinVar aggregate classification (germline): Pathogenic (1 of 4 stars; one submission).

Conditions:
Autosomal recessive limb-girdle muscular dystrophy type 2Y (MRRSDC). Also called: Muscular dystrophy, limb-girdle, type 2y; Muscular dystrophy, autosomal recessive, with rigid spine and distal joint contractures. Identifiers: Orphanet 424261, MedGen C4511482, MONDO:0014900, OMIM 617072.

Submission:

Labcorp Genetics (formerly Invitae), Labcorp
Classification: Pathogenic for Autosomal recessive limb-girdle muscular dystrophy type 2Y. Last evaluated: 2022-06-20. Review status: criteria provided, single submitter. Criteria: Invitae Variant Classification Sherloc (09022015). Collection method: clinical testing. Allele origin: germline.
Comment: This sequence change creates a premature translational stop signal (p.Arg115*) in the TOR1AIP1 gene. It is expected to result in an absent or disrupted protein product. Loss-of-function variants in TOR1AIP1 are known to be pathogenic (PMID: 24856141, 27342937). This variant is not present in population databases (gnomAD no frequency). This variant has not been reported in the literature in individuals affected with TOR1AIP1-related conditions. For these reasons, this variant has been classified as Pathogenic.

Literature cited by the submitters: PubMed 24856141; PubMed 27342937.

NM_015602.4(TOR1AIP1):c.343C>T (p.Arg115Ter)

Genes: TOR1AIP1 (torsin 1A interacting protein 1; plus strand), LOC112577517 (Sharpr-MPRA regulatory region 13766; plus strand). Cytogenetic location: 1q25.2.
Variant type: single nucleotide variant.
Coding change: c.343C>T on transcript NM_015602.4 (MANE Select); coding-DNA position 343, C replaced by T.
Protein change: p.Arg115Ter; replaces arginine 115 with a stop codon.
Molecular consequence: nonsense.
Genome position (GRCh38, 1-based): chr1:179,882,845, C>T. VCF-style: chr1-179882845-C-T. GRCh37 (hg19) VCF-style: chr1-179851980-C-T.
Other names: c.343C>T, p.Arg115Ter (NM_001267578.2); short protein forms R115*.
Identifiers: ClinVar variation 1388439 (VCV001388439.6), dbSNP rs2148468809, ClinGen allele CA343578111.
Genomic context (GRCh38, chr1:179,882,845, plus strand): 5'-GCGAAAGAGGAAGTGAGAGAAAGCGCGTACTACCTTCGGTCTAGGCAGCGGAGGCAGCCG[C>T]GACCCCAGGAAACCGAGGAAATGAAGACGCGAAGGACTACCCGCCTTCAGCAGCAGCACT-3'